The following is an entry in ClinVar:

NM_002860.4(ALDH18A1):c.1514G>A (p.Gly505Glu)

Gene: ALDH18A1 (aldehyde dehydrogenase 18 family member A1; minus strand). Cytogenetic location: 10q24.1.
Variant type: single nucleotide variant.
Coding change: c.1514G>A on transcript NM_002860.4 (MANE Select); coding-DNA position 1514, G replaced by A.
Protein change: p.Gly505Glu; replaces glycine 505 with glutamic acid.
Molecular consequence: missense variant.
Genome position (GRCh38, 1-based): chr10:95,616,568, C>T on the plus strand (G>A on the coding strand, the complement: ALDH18A1 is on the minus strand). VCF-style: chr10-95616568-C-T. GRCh37 (hg19) VCF-style: chr10-97376325-C-T.
Other names: c.1508G>A, p.Gly503Glu (NM_001017423.2, NM_001323415.2); c.1181G>A, p.Gly394Glu (NM_001323412.2, NM_001323416.2); c.1514G>A, p.Gly505Glu (NM_001323413.2, NM_001323414.2); c.1409G>A, p.Gly470Glu (NM_001323417.2); c.1175G>A, p.Gly392Glu (NM_001323418.2); c.878G>A, p.Gly293Glu (NM_001323419.2); short protein forms G503E, G394E, G293E, G392E, G470E, G505E.
Identifiers: ClinVar variation 2941990 (VCV002941990.3), dbSNP rs1380907912, ClinGen allele CA377701118.

ClinVar aggregate classification (germline): Uncertain significance (1 of 4 stars; one submission).

Conditions:
Cutis laxa, autosomal dominant 3 (ADCL3). Identifiers: Orphanet 90348, MedGen C4225268, MONDO:0014706, OMIM 616603.
Autosomal dominant spastic paraplegia type 9. Identifiers: MedGen C1832669, MONDO:0015091.
de Barsy syndrome. Also called: Cutis laxa-corneal clouding-oligophrenia syndrome. Identifiers: Orphanet 2962, MedGen C0268354, MONDO:0017569.

Allele frequency attached by ClinVar (database versions not stated): gnomAD exomes below 0.00001.
gnomAD v4.1: 1 of 1,604,444 alleles (0.000062%); highest among the groups gnomAD compares: East Asian, 0.0022%; no homozygotes.

Submission:

Labcorp Genetics (formerly Invitae), Labcorp
Classification: Uncertain significance for Autosomal dominant spastic paraplegia type 9; de Barsy syndrome; Cutis laxa, autosomal dominant 3. Last evaluated: 2024-08-09. Review status: criteria provided, single submitter. Criteria: Invitae Variant Classification Sherloc (09022015). Collection method: clinical testing. Allele origin: germline.
Comment: This sequence change replaces glycine, which is neutral and non-polar, with glutamic acid, which is acidic and polar, at codon 505 of the ALDH18A1 protein (p.Gly505Glu). This variant is not present in population databases (gnomAD no frequency). This variant has not been reported in the literature in individuals affected with ALDH18A1-related conditions. Advanced modeling of protein sequence and biophysical properties (such as structural, functional, and spatial information, amino acid conservation, physicochemical variation, residue mobility, and thermodynamic stability) performed at Invitae indicates that this missense variant is expected to disrupt ALDH18A1 protein function with a positive predictive value of 80%. In summary, the available evidence is currently insufficient to determine the role of this variant in disease. Therefore, it has been classified as a Variant of Uncertain Significance.